The following is an entry in ClinVar:

ClinVar aggregate classification (germline): Benign (1 of 4 stars; one submission).

Conditions:
Lynch syndrome 4 (LYNCH4). Also called: Colorectal cancer, hereditary nonpolyposis, type 4; Hereditary non-polyposis colorectal cancer, type 4. Identifiers: Orphanet 144, MedGen C1838333, MONDO:0013699, OMIM 614337. Disease mechanism: loss of function.

Submission:

Myriad Genetics, Inc.
Classification: Benign for Lynch syndrome 4. Last evaluated: 2025-01-29. Review status: criteria provided, single submitter. Criteria: Myriad Autosomal Dominant, Autosomal Recessive and X-Linked Classification Criteria (2023). Collection method: clinical testing. Allele origin: unknown.
Comment: This variant is considered benign. This variant is a silent/synonymous amino acid change and it is not expected to impact splicing.

NM_000535.7(PMS2):c.1129C>T (p.Leu377=)

Gene: PMS2 (PMS1 homolog 2, mismatch repair system component; minus strand). Cytogenetic location: 7p22.1.
Variant type: single nucleotide variant.
Coding change: c.1129C>T on transcript NM_000535.7 (MANE Select); coding-DNA position 1129, C replaced by T.
Protein change: p.Leu377=; no amino-acid change (leucine 377 retained).
Molecular consequence: synonymous variant. On other transcripts: non-coding transcript variant (1), intron variant (10).
Genome position (GRCh38, 1-based): chr7:5,989,815, G>A on the plus strand (C>T on the coding strand, the complement: PMS2 is on the minus strand). VCF-style: chr7-5989815-G-A. GRCh37 (hg19) VCF-style: chr7-6029446-G-A.
Other names: c.724C>T, p.Leu242= (NM_001322003.2, NM_001322004.2, NM_001322005.2 and 16 more transcripts); c.811C>T, p.Leu271= (NM_001322007.2, NM_001322008.2, NM_001406876.1 and 2 more transcripts); c.196C>T, p.Leu66= (NM_001322011.2, NM_001322012.2); c.556C>T, p.Leu186= (NM_001322013.2, NM_001406909.1); c.1129C>T, p.Leu377= (NM_001322014.2, NM_001406871.1, NM_001406872.1); c.820C>T, p.Leu274= (NM_001322015.2, NM_001406875.1, NM_001406877.1 and 5 more transcripts); c.1315C>T, p.Leu439= (NM_001406866.1); c.1153C>T, p.Leu385= (NM_001406868.1); and 13 more.
Identifiers: ClinVar variation 3904050 (VCV003904050.1).